The following is an entry in ClinVar:

ClinVar aggregate classification (germline): Conflicting classifications of pathogenicity. Review status: criteria provided, conflicting classifications (1 of 4 stars). 2 submissions from 2 submitters: Likely pathogenic (1); Uncertain significance (1). Last evaluated 2023-10-09.

Conditions:
ABCA4-related disorder. Also called: ABCA4-related disorders; ABCA4-related condition. Identifiers: MedGen CN239167.

Submissions (2):

Blueprint Genetics
Classification: Likely pathogenic for ABCA4-related disorders. Last evaluated: 2023-10-09. Review status: criteria provided, single submitter. Criteria: ACMG Guidelines, 2015. Collection method: clinical testing. Allele origin: germline. Affected: yes. Observed: 1 variant allele.

Labcorp Genetics (formerly Invitae), Labcorp
Classification: Uncertain significance. Last evaluated: 2021-09-01. Review status: criteria provided, single submitter. Criteria: Invitae Variant Classification Sherloc (09022015). Collection method: clinical testing. Allele origin: germline.
Comment: This sequence change replaces tyrosine with aspartic acid at codon 345 of the ABCA4 protein (p.Tyr345Asp). The tyrosine residue is highly conserved and there is a large physicochemical difference between tyrosine and aspartic acid. This variant is not present in population databases (ExAC no frequency). This variant has not been reported in the literature in individuals affected with ABCA4-related conditions. Algorithms developed to predict the effect of missense changes on protein structure and function (SIFT, PolyPhen-2, Align-GVGD) all suggest that this variant is likely to be disruptive. In summary, the available evidence is currently insufficient to determine the role of this variant in disease. Therefore, it has been classified as a Variant of Uncertain Significance.

NM_000350.3(ABCA4):c.1033T>G (p.Tyr345Asp)

Gene: ABCA4 (ATP binding cassette subfamily A member 4; minus strand). Cytogenetic location: 1p22.1.
Variant type: single nucleotide variant.
Coding change: c.1033T>G on transcript NM_000350.3 (MANE Select); coding-DNA position 1033, T replaced by G.
Protein change: p.Tyr345Asp; replaces tyrosine 345 with aspartic acid.
Molecular consequence: missense variant.
Genome position (GRCh38, 1-based): chr1:94,080,544, A>C on the plus strand (T>G on the coding strand, the complement: ABCA4 is on the minus strand). VCF-style: chr1-94080544-A-C. GRCh37 (hg19) VCF-style: chr1-94546100-A-C.
Other names: c.1033T>G, p.Tyr345Asp (NM_001425324.1); short protein forms Y345D.
Identifiers: ClinVar variation 943873 (VCV000943873.8), dbSNP rs1661663019, ClinGen allele CA341284044.